The following is an entry in ClinVar:

ClinVar aggregate classification (germline): Pathogenic/Likely pathogenic. Review status: criteria provided, multiple submitters, no conflicts (2 of 4 stars). 5 submissions from 5 submitters: Pathogenic (2); Likely pathogenic (2). 1 of the submissions does not count toward it. Last evaluated 2024-03-14.

Conditions:
Autosomal recessive limb-girdle muscular dystrophy type 2J (LGMDR10). Also called: Limb-girdle muscular dystrophy, type 2J; MUSCULAR DYSTROPHY, LIMB-GIRDLE, AUTOSOMAL RECESSIVE 10. Identifiers: Orphanet 140922, MedGen C1837342, MONDO:0012127, OMIM 608807.
Dilated cardiomyopathy 1G (CMD1G). Identifiers: Orphanet 154, MedGen C1858763, MONDO:0011400, OMIM 604145.

Submissions (5):

Genomic Medicine Center of Excellence, King Faisal Specialist Hospital and Research Centre
Classification: Pathogenic for Cardiomyopathy, dilated, 1G. Last evaluated: 2024-03-14. Review status: criteria provided, single submitter. Criteria: ACMG Guidelines, 2015. Collection method: clinical testing. Allele origin: germline.

GeneDx
Classification: Pathogenic. Last evaluated: 2023-08-24. Review status: criteria provided, single submitter. Criteria: GeneDx Variant Classification Process June 2021. Collection method: clinical testing. Allele origin: germline. Affected: yes.
Comment: Canonical splice site variant predicted to result in a null allele in a gene for which loss of function is a known mechanism of disease; Located in the M-line region of TTN in which the majority of loss of function variants have been associated with autosomal recessive titinopathies (Carmignac et al., 2007); Not observed at significant frequency in large population cohorts (gnomAD); This variant is associated with the following publications: (PMID: 17444505, 28454995)

Revvity Omics, Revvity
Classification: Likely pathogenic. Last evaluated: 2021-02-26. Review status: criteria provided, single submitter. Criteria: ACMG Guidelines, 2015. Collection method: clinical testing. Allele origin: germline.

Athena Diagnostics
Classification: Likely pathogenic. Last evaluated: 2016-10-05. Review status: criteria provided, single submitter. Criteria: Athena Diagnostics Criteria. Collection method: clinical testing. Allele origin: germline.

Biochemical Molecular Genetic Laboratory, King Abdulaziz Medical City
Classification: Pathogenic for Autosomal recessive limb-girdle muscular dystrophy type 2J. Last evaluated: 2019-09-26. Review status: no assertion criteria provided. Collection method: clinical testing. Allele origin: germline. Affected: yes. Not counted in ClinVar's aggregate classification.

NM_001267550.2(TTN):c.106375-2A>G

Genes: TTN (titin; minus strand), TTN-AS1 (TTN antisense RNA 1; plus strand). Cytogenetic location: 2q31.2.
Variant type: single nucleotide variant.
Coding change: c.106375-2A>G on transcript NM_001267550.2 (MANE Select); the canonical splice acceptor site of the intron before coding-DNA position 106375, A replaced by G.
Molecular consequence: splice acceptor variant.
Genome position (GRCh38, 1-based): chr2:178,530,118, T>C on the plus strand (A>G on the coding strand, the complement: TTN is on the minus strand). VCF-style: chr2-178530118-T-C. GRCh37 (hg19) VCF-style: chr2-179394845-T-C.
Other names: c.79180-2A>G (NM_003319.4); c.79756-2A>G (NM_133437.4); c.79555-2A>G (NM_133432.3); c.98671-2A>G (NM_133378.4); c.101452-2A>G (NM_001256850.1).
Identifiers: ClinVar variation 448767 (VCV000448767.10), dbSNP rs1553482872, ClinGen allele CA349405662.